The following is an entry in ClinVar:

ClinVar aggregate classification (germline): Uncertain significance (1 of 4 stars; one submission).

Conditions:
Fabry disease. Also called: Fabry's disease; ALPHA-GALACTOSIDASE A DEFICIENCY; ANDERSON-FABRY DISEASE; CERAMIDE TRIHEXOSIDASE DEFICIENCY; GLA DEFICIENCY; HEREDITARY DYSTOPIC LIPIDOSIS. Identifiers: Orphanet 324, MedGen C0002986, MONDO:0010526, OMIM 301500, HP:0001071. Disease mechanism: Fabry disease is due to inactivating mutations in the X-linked GLA gene resulting in deficiency of the enzyme Alpha Galactosidase-A., loss of function.

Submission:

Labcorp Genetics (formerly Invitae), Labcorp
Classification: Uncertain significance for Fabry disease. Last evaluated: 2025-06-27. Review status: criteria provided, single submitter. Criteria: Invitae Variant Classification Sherloc (09022015). Collection method: clinical testing. Allele origin: germline.
Comment: This sequence change replaces tyrosine, which is neutral and polar, with serine, which is neutral and polar, at codon 365 of the GLA protein (p.Tyr365Ser). This variant is not present in population databases (gnomAD no frequency). This variant has not been reported in the literature in individuals affected with GLA-related conditions. Invitae Evidence Modeling of protein sequence and biophysical properties (such as structural, functional, and spatial information, amino acid conservation, physicochemical variation, residue mobility, and thermodynamic stability) indicates that this missense variant is not expected to disrupt GLA protein function with a negative predictive value of 80%. In summary, the available evidence is currently insufficient to determine the role of this variant in disease. Therefore, it has been classified as a Variant of Uncertain Significance.

NM_000169.3(GLA):c.1094A>C (p.Tyr365Ser)

Genes: GLA (galactosidase alpha; minus strand), RPL36A-HNRNPH2 (RPL36A-HNRNPH2 readthrough; plus strand). Cytogenetic location: Xq22.1.
Variant type: single nucleotide variant.
Coding change: c.1094A>C on transcript NM_000169.3 (MANE Select); coding-DNA position 1094, A replaced by C.
Protein change: p.Tyr365Ser; replaces tyrosine 365 with serine.
Molecular consequence: missense variant. On other transcripts: non-coding transcript variant (3), intron variant (2).
Genome position (GRCh38, 1-based): chrX:101,398,005, T>G on the plus strand (A>C on the coding strand, the complement: GLA is on the minus strand). VCF-style: chrX-101398005-T-G. GRCh37 (hg19) VCF-style: chrX-100652993-T-G.
Other names: c.1217A>C, p.Tyr406Ser (NM_001406747.1); c.300+2548T>G (NM_001199973.2); c.177+6183T>G (NM_001199974.2); short protein forms Y365S, Y406S.
Identifiers: ClinVar variation 4741319 (VCV004741319.1).